The following is an entry in ClinVar:

NM_006019.4(TCIRG1):c.338G>A (p.Gly113Asp)

Gene: TCIRG1 (T cell immune regulator 1, ATPase H+ transporting V0 subunit a3; plus strand). Cytogenetic location: 11q13.2.
Variant type: single nucleotide variant.
Coding change: c.338G>A on transcript NM_006019.4 (MANE Select); coding-DNA position 338, G replaced by A.
Protein change: p.Gly113Asp; replaces glycine 113 with aspartic acid.
Molecular consequence: missense variant. On other transcripts: 5 prime UTR variant (1).
Genome position (GRCh38, 1-based): chr11:68,042,784, G>A. VCF-style: chr11-68042784-G-A. GRCh37 (hg19) VCF-style: chr11-67810251-G-A.
Other names: c.-912G>A (NM_001351059.2); short protein forms G113D.
Identifiers: ClinVar variation 2135723 (VCV002135723.3), dbSNP rs2495615478, ClinGen allele CA381576137.

ClinVar aggregate classification (germline): Uncertain significance (1 of 4 stars; one submission).

Allele frequency attached by ClinVar (database versions not stated): gnomAD exomes below 0.00001.
gnomAD v4.1: 2 of 1,548,056 alleles (0.00013%); highest among the groups gnomAD compares: East Asian, 0.0024%; no homozygotes.

Submission:

Labcorp Genetics (formerly Invitae), Labcorp
Classification: Uncertain significance. Last evaluated: 2024-10-13. Review status: criteria provided, single submitter. Criteria: Invitae Variant Classification Sherloc (09022015). Collection method: clinical testing. Allele origin: germline.
Comment: This sequence change replaces glycine, which is neutral and non-polar, with aspartic acid, which is acidic and polar, at codon 113 of the TCIRG1 protein (p.Gly113Asp). This variant is not present in population databases (gnomAD no frequency). This variant has not been reported in the literature in individuals affected with TCIRG1-related conditions. ClinVar contains an entry for this variant (Variation ID: 2135723). Invitae Evidence Modeling of protein sequence and biophysical properties (such as structural, functional, and spatial information, amino acid conservation, physicochemical variation, residue mobility, and thermodynamic stability) indicates that this missense variant is not expected to disrupt TCIRG1 protein function with a negative predictive value of 80%. In summary, the available evidence is currently insufficient to determine the role of this variant in disease. Therefore, it has been classified as a Variant of Uncertain Significance.